The following is an entry in ClinVar:

ClinVar aggregate classification (germline): Uncertain significance (1 of 4 stars; one submission).

Submission:

Labcorp Genetics (formerly Invitae), Labcorp
Classification: Uncertain significance. Last evaluated: 2022-02-18. Review status: criteria provided, single submitter. Criteria: Invitae Variant Classification Sherloc (09022015). Collection method: clinical testing. Allele origin: germline.
Comment: In summary, the available evidence is currently insufficient to determine the role of this variant in disease. Therefore, it has been classified as a Variant of Uncertain Significance. Algorithms developed to predict the effect of missense changes on protein structure and function are either unavailable or do not agree on the potential impact of this missense change (SIFT: "Deleterious"; PolyPhen-2: "Benign"; Align-GVGD: "Class C45"). This variant has not been reported in the literature in individuals affected with POLE-related conditions. This variant is not present in population databases (gnomAD no frequency). This sequence change replaces arginine, which is basic and polar, with glycine, which is neutral and non-polar, at codon 579 of the POLE protein (p.Arg579Gly).

NM_006231.4(POLE):c.1735C>G (p.Arg579Gly)

Gene: POLE (DNA polymerase epsilon, catalytic subunit; minus strand). Cytogenetic location: 12q24.33.
Variant type: single nucleotide variant.
Coding change: c.1735C>G on transcript NM_006231.4 (MANE Select); coding-DNA position 1735, C replaced by G.
Protein change: p.Arg579Gly; replaces arginine 579 with glycine.
Molecular consequence: missense variant.
Genome position (GRCh38, 1-based): chr12:132,672,274, G>C on the plus strand (C>G on the coding strand, the complement: POLE is on the minus strand). VCF-style: chr12-132672274-G-C. GRCh37 (hg19) VCF-style: chr12-133248860-G-C.
Other names: short protein forms R579G.
Identifiers: ClinVar variation 2098447 (VCV002098447.4), dbSNP rs116260568, ClinGen allele CA387356328.